The following is an entry in ClinVar:

NM_000888.5(ITGB6):c.141G>A (p.Glu47=)

Gene: ITGB6 (integrin subunit beta 6; minus strand). Cytogenetic location: 2q24.2.
Variant type: single nucleotide variant.
Coding change: c.141G>A on transcript NM_000888.5 (MANE Select); coding-DNA position 141, G replaced by A.
Protein change: p.Glu47=; no amino-acid change (glutamic acid 47 retained).
Molecular consequence: synonymous variant. On other transcripts: missense variant (1), intron variant (3).
Genome position (GRCh38, 1-based): chr2:160,199,179, C>T on the plus strand (G>A on the coding strand, the complement: ITGB6 is on the minus strand). VCF-style: chr2-160199179-C-T. GRCh37 (hg19) VCF-style: chr2-161055690-C-T.
Other names: c.141G>A, p.Glu47= (NM_001282353.2, NM_001282355.2); c.95G>A, p.Arg32Lys (NM_001282389.2); c.61+824G>A (NM_001282354.2); c.-101+824G>A (NM_001282390.2); c.15+824G>A (NM_001282388.2); short protein forms R32K.
Identifiers: ClinVar variation 4993691 (VCV004993691.1).

ClinVar aggregate classification (germline): Uncertain significance (1 of 4 stars; one submission).

Conditions:
ITGB6-related disorder. Also called: ITGB6-related condition.

Submission:

PreventionGenetics, part of Exact Sciences
Classification: Uncertain significance for ITGB6-related condition. Last evaluated: 2026-04-14. Review status: criteria provided, single submitter. Criteria: ACMG Guidelines, 2015. Collection method: clinical testing. Allele origin: germline.
Comment: The ITGB6 c.141G>A variant is not predicted to result in an amino acid change (p.=). This variant impacts the last nucleotide of exon 2 and is predicted to impact splicing at the nearby splice donor site (SpliceAI, Jaganathan et al. 2019. PubMed ID: 30661751). However, the use of computer prediction programs is not equivalent to functional evidence. To our knowledge, this variant has not been reported in the literature or in a large population database (gnomAD), indicating this variant is rare. At this time, the clinical significance of this variant is uncertain due to the absence of conclusive functional and genetic evidence.